The following is an entry in ClinVar:

NM_013975.4(LIG3):c.1555A>G (p.Asn519Asp)

Gene: LIG3 (DNA ligase 3; plus strand). Cytogenetic location: 17q12.
Variant type: single nucleotide variant.
Coding change: c.1555A>G on transcript NM_013975.4 (MANE Select); coding-DNA position 1555, A replaced by G.
Protein change: p.Asn519Asp; replaces asparagine 519 with aspartic acid.
Molecular consequence: missense variant.
Genome position (GRCh38, 1-based): chr17:34,994,375, A>G. VCF-style: chr17-34994375-A-G. GRCh37 (hg19) VCF-style: chr17-33321394-A-G.
Other names: c.1555A>G, p.Asn519Asp (NM_002311.5); short protein forms N519D.
Identifiers: ClinVar variation 929074 (VCV000929074.1), dbSNP rs763624496, ClinGen allele CA8498390.
Genomic context (GRCh38, chr17:34,994,375, plus strand): 5'-TGTCCCAATGGCATGTTCTCTGAGATCAAGTACGATGGAGAGCGAGTCCAGGTGCATAAG[A>G]ATGGAGACCACTTCAGCTACTTCAGCCGCAGTCTCAAGCCCGTCCTTCCTCACAAGGTAT-3'
Protein context (NP_039269.2, residues 509-529): YDGERVQVHK[Asn519Asp]GDHFSYFSRS

ClinVar aggregate classification (germline): Uncertain significance (1 of 4 stars; one submission).

Allele frequency attached by ClinVar (database versions not stated): gnomAD exomes 0.00001; TOPMed 0.00001; gnomAD 0.00001; ExAC 0.00002.
gnomAD v4.1: 6 of 1,613,996 alleles (0.00037%); highest among the groups gnomAD compares: Non-Finnish European, 0.00051%; no homozygotes.

Submission:

Women's Health and Genetics/Laboratory Corporation of America, LabCorp
Classification: Uncertain significance. Last evaluated: 2019-02-11. Review status: criteria provided, single submitter. Criteria: LabCorp Variant Classification Summary - May 2015. Collection method: clinical testing. Allele origin: germline.
Comment: Variant summary: LIG3 c.1555A>G (p.Asn519Asp) results in a conservative amino acid change located in the DNA ligase, ATP-dependent, central domain of the encoded protein sequence. Four of five in-silico tools predict a benign effect of the variant on protein function. The variant allele was found at a frequency of 1.2e-05 in 246180 control chromosomes (gnomAD). The available data on variant occurrences in the general population are insufficient to allow any conclusion about variant significance. To our knowledge, no occurrence of c.1555A>G in individuals affected with Arrhythmia and no experimental evidence demonstrating its impact on protein function have been reported. A co-occurrence with another pathogenic variant has been reported (KCNH2 c.211G>C, p.Gly71Arg). No clinical diagnostic laboratories have submitted clinical-significance assessments for this variant to ClinVar after 2014. Based on the evidence outlined above, the variant was classified as uncertain significance.